The following is an entry in ClinVar:

NM_000481.4(AMT):c.1199_1202delinsTAT (p.Tyr400fs)

Gene: AMT (aminomethyltransferase; minus strand). Cytogenetic location: 3p21.31.
Variant type: Indel.
Coding change: c.1199_1202delinsTAT on transcript NM_000481.4 (MANE Select); coding-DNA positions 1199 to 1202, ATAC replaced by TAT.
Protein change: p.Tyr400fs; shifts the reading frame from tyrosine 400.
Molecular consequence: frameshift variant. On other transcripts: non-coding transcript variant (1), intron variant (1).
Genome position (GRCh38, 1-based): chr3:49,417,550-49,417,553, GTAT replaced by ATA on the plus strand (ATAC replaced by TAT on the coding strand, the reverse complement: AMT is on the minus strand). VCF-style: chr3-49417550-GTAT-ATA. GRCh37 (hg19) VCF-style: chr3-49454983-GTAT-ATA.
Other names: c.1067_1070delinsTAT, p.Tyr356fs (NM_001164710.2); c.1031_1034delinsTAT, p.Tyr344fs (NM_001164711.2); c.1137+62_1137+65delinsTAT (NM_001164712.2); c.1199_1202delATACinsTAT (NM_000481.3); short protein forms Y344fs, Y356fs, Y400fs.
Identifiers: ClinVar variation 553002 (VCV000553002.3), dbSNP rs1553638191, ClinGen allele CA658823331.

ClinVar aggregate classification (germline): Uncertain significance. Review status: criteria provided, single submitter (1 of 4 stars). 2 submissions from 2 submitters: Uncertain significance (1). 1 of the submissions does not count toward it. Last evaluated 2026-07-09.

Conditions:
Glycine encephalopathy 1 (GCE1). Identifiers: MedGen CN376801, MONDO:0958179, OMIM 605899.
Glycine encephalopathy 2 (GCE2). Identifiers: MedGen C5830559, MONDO:0958192, OMIM 620398.

Submissions (2):

Myriad Genetics, Inc.
Classification: Uncertain significance for Glycine encephalopathy 2. Last evaluated: 2026-07-09. Review status: criteria provided, single submitter. Criteria: Myriad Autosomal Dominant, Autosomal Recessive and X-Linked Classification Criteria (2023). Collection method: clinical testing. Allele origin: unknown.
Comment: NM_000481.3(AMT):c.1199_1202delATACinsTAT(Y400Lfs*37) is a readthrough frameshift variant classified as a variant of uncertain significance in the context of glycine encephalopathy, AMT-related. Y400Lfs*37 has not been observed in cases with relevant disease. Relevant functional assessments of this variant are not available in the literature. Y400Lfs*37 has not been observed in referenced population frequency databases. In summary, there is insufficient evidence to classify NM_000481.3(AMT):c.1199_1202delATACinsTAT(Y400Lfs*37) as pathogenic or benign. Please note: this variant was assessed in the context of healthy population screening.

Counsyl
Classification: Uncertain significance for Glycine encephalopathy 1. Last evaluated: 2017-08-02. Review status: no assertion criteria provided. Collection method: clinical testing. Allele origin: unknown. Not counted in ClinVar's aggregate classification.